The following is an entry in ClinVar:

ClinVar aggregate classification (germline): Likely benign. Review status: criteria provided, multiple submitters, no conflicts (2 of 4 stars). 4 submissions from 4 submitters: Likely benign (4). Last evaluated 2026-06-26.

Conditions:
Familial thoracic aortic aneurysm and aortic dissection (TAAD). Also called: Thoracic aortic aneurysms and dissections. Identifiers: Orphanet 91387, MedGen C4707243, MONDO:0019625.
Ehlers-Danlos syndrome, type 4 (EDSVASC). Also called: Ehlers-Danlos syndrome vascular type; Ehlers Danlos syndrome, ecchymotic type; Ehlers Danlos syndrome, arterial type; Ehlers Danlos syndrome, Sack-Barabas type; Ehlers-Danlos Syndrome Type IV. Identifiers: Orphanet 286, MedGen C0268338, MONDO:0017314, OMIM 130050.

Allele frequency attached by ClinVar (database versions not stated): TOPMed below 0.00001.
gnomAD v4.1: 22 of 1,613,874 alleles (0.0014%); highest among the groups gnomAD compares: Non-Finnish European, 0.0019%; no homozygotes.

Submissions (4):

Women's Health and Genetics/Laboratory Corporation of America, LabCorp
Classification: Likely benign. Last evaluated: 2026-06-26. Review status: criteria provided, single submitter. Criteria: LabCorp Variant Classification Summary - May 2015. Collection method: clinical testing. Allele origin: germline.

All of Us Research Program, National Institutes of Health
Classification: Likely benign for Ehlers-Danlos syndrome, type 4. Last evaluated: 2023-05-04. Review status: criteria provided, single submitter. Criteria: ACMG Guidelines, 2015. Collection method: clinical testing. Allele origin: germline. Inheritance: Autosomal dominant inheritance. Observed: 1 variant allele, 1 heterozygote.
Comment: This study involves interpretation of variants in research participants for the purpose of population health screening. Participant phenotype was not available at the time of variant classification. Additional details can be found in publication PMID: 35346344, PMCID: PMC8962531

Labcorp Genetics (formerly Invitae), Labcorp
Classification: Likely benign for Ehlers-Danlos syndrome, type 4. Last evaluated: 2022-11-11. Review status: criteria provided, single submitter. Criteria: Invitae Variant Classification Sherloc (09022015). Collection method: clinical testing. Allele origin: germline.

Color Diagnostics, LLC DBA Color Health
Classification: Likely benign for Familial thoracic aortic aneurysm and aortic dissection. Last evaluated: 2020-07-13. Review status: criteria provided, single submitter. Criteria: ACMG Guidelines, 2015. Collection method: clinical testing. Allele origin: germline.

NM_000090.4(COL3A1):c.898-8C>T

Gene: COL3A1 (collagen type III alpha 1 chain; plus strand). Cytogenetic location: 2q32.2.
Variant type: single nucleotide variant.
Coding change: c.898-8C>T on transcript NM_000090.4 (MANE Select); 8 bases into the intron before coding-DNA position 898, C replaced by T.
Molecular consequence: intron variant.
Genome position (GRCh38, 1-based): chr2:188,991,661, C>T. VCF-style: chr2-188991661-C-T. GRCh37 (hg19) VCF-style: chr2-189856387-C-T.
Identifiers: ClinVar variation 701281 (VCV000701281.13), dbSNP rs766564882, ClinGen allele CA762193012.
Genomic context (GRCh38, chr2:188,991,661, plus strand): 5'-CTCCCACCCCAACTGTTCTTACACATGTCAAGATTAGAGTAAAACCATATTTCAATTTTA[C>T]TCTGTAGGGTCCAAGAGGGGCTCCTGGTGAGCGAGGACGGCCAGGACTTCCTGGGGCTGC-3'